The following is an entry in ClinVar:

NM_019098.5(CNGB3):c.1177G>A (p.Glu393Lys)

Gene: CNGB3 (cyclic nucleotide gated channel subunit beta 3; minus strand). Cytogenetic location: 8q21.3.
Variant type: single nucleotide variant.
Coding change: c.1177G>A on transcript NM_019098.5 (MANE Select); coding-DNA position 1177, G replaced by A.
Protein change: p.Glu393Lys; replaces glutamic acid 393 with lysine.
Molecular consequence: missense variant.
Genome position (GRCh38, 1-based): chr8:86,643,752, C>T on the plus strand (G>A on the coding strand, the complement: CNGB3 is on the minus strand). VCF-style: chr8-86643752-C-T. GRCh37 (hg19) VCF-style: chr8-87655980-C-T.
Other names: short protein forms E393K.
Identifiers: ClinVar variation 2143375 (VCV002143375.4), dbSNP rs538823901, ClinGen allele CA4800141.

ClinVar aggregate classification (germline): Uncertain significance (1 of 4 stars; one submission).

Allele frequency attached by ClinVar (database versions not stated): ExAC 0.00001; gnomAD 0.00001; gnomAD exomes 0.00001; 1000 Genomes Project 30x 0.00016; 1000 Genomes Project 0.00020.
gnomAD v4.1: 8 of 1,604,850 alleles (0.0005%); highest among the groups gnomAD compares: East Asian, 0.0022%; no homozygotes.

Submission:

Labcorp Genetics (formerly Invitae), Labcorp
Classification: Uncertain significance. Last evaluated: 2023-12-07. Review status: criteria provided, single submitter. Criteria: Invitae Variant Classification Sherloc (09022015). Collection method: clinical testing. Allele origin: germline.
Comment: This sequence change replaces glutamic acid, which is acidic and polar, with lysine, which is basic and polar, at codon 393 of the CNGB3 protein (p.Glu393Lys). This variant is present in population databases (rs538823901, gnomAD 0.003%). This variant has not been reported in the literature in individuals affected with CNGB3-related conditions. ClinVar contains an entry for this variant (Variation ID: 2143375). Algorithms developed to predict the effect of missense changes on protein structure and function output the following: SIFT: "Not Available"; PolyPhen-2: "Benign"; Align-GVGD: "Not Available". The lysine amino acid residue is found in multiple mammalian species, which suggests that this missense change does not adversely affect protein function. In summary, the available evidence is currently insufficient to determine the role of this variant in disease. Therefore, it has been classified as a Variant of Uncertain Significance.